The following is an entry in ClinVar:

ClinVar aggregate classification (germline): Uncertain significance. Review status: criteria provided, multiple submitters, no conflicts (2 of 4 stars). 4 submissions from 4 submitters: Uncertain significance (3). 1 of the submissions does not count toward it. Last evaluated 2025-06-15.

Conditions:
RTEL1-related disorder. Also called: RTEL1-related condition; RTEL1-related disorders.
Dyskeratosis congenita, autosomal recessive 5 (DKCB5). Identifiers: MedGen C3554656, MONDO:0014076, OMIM 615190.
Pulmonary fibrosis and/or bone marrow failure, Telomere-related, 3. Also called: PULMONARY FIBROSIS AND/OR BONE MARROW FAILURE SYNDROME, TELOMERE-RELATED, 3. Identifiers: Orphanet 2032, MedGen C4225346, MONDO:0014613, OMIM 616373.
Inborn genetic diseases. Identifiers: MedGen C0950123, MeSH D030342.

Allele frequency attached by ClinVar (database versions not stated): gnomAD 0.00011; ESP Exome Variant Server 0.00015; 1000 Genomes Project 30x 0.00016; 1000 Genomes Project 0.00020.
gnomAD v4.1: 28 of 1,613,458 alleles (0.0017%); highest among the groups gnomAD compares: African/African-American, 0.036%; no homozygotes.

Submissions (4):

Labcorp Genetics (formerly Invitae), Labcorp
Classification: Uncertain significance for Dyskeratosis congenita, autosomal recessive 5; Pulmonary fibrosis and/or bone marrow failure, Telomere-related, 3. Last evaluated: 2025-06-15. Review status: criteria provided, single submitter. Criteria: Invitae Variant Classification Sherloc (09022015). Collection method: clinical testing. Allele origin: germline.
Comment: This sequence change replaces arginine, which is basic and polar, with proline, which is neutral and non-polar, at codon 84 of the RTEL1 protein (p.Arg84Pro). The frequency data for this variant in the population databases is considered unreliable, as metrics indicate poor data quality at this position in the gnomAD database. This variant has not been reported in the literature in individuals affected with RTEL1-related conditions. ClinVar contains an entry for this variant (Variation ID: 2074871). An algorithm developed to predict the effect of missense changes on protein structure and function (PolyPhen-2) suggests that this variant is likely to be disruptive. In summary, the available evidence is currently insufficient to determine the role of this variant in disease. Therefore, it has been classified as a Variant of Uncertain Significance.

GeneDx
Classification: Uncertain significance. Last evaluated: 2024-05-20. Review status: criteria provided, single submitter. Criteria: GeneDx Variant Classification Process June 2021. Collection method: clinical testing. Allele origin: germline. Affected: yes.
Comment: In silico analysis supports that this missense variant has a deleterious effect on protein structure/function; Has not been previously published as pathogenic or benign to our knowledge

Ambry Genetics
Classification: Uncertain significance for Inborn genetic diseases. Last evaluated: 2022-02-24. Review status: criteria provided, single submitter. Criteria: Ambry Variant Classification Scheme 2023. Collection method: clinical testing. Allele origin: germline.

PreventionGenetics, part of Exact Sciences
Classification: Uncertain significance for RTEL1-related condition. Last evaluated: 2024-03-19. Review status: no assertion criteria provided. Collection method: clinical testing. Allele origin: germline. Not counted in ClinVar's aggregate classification.
Comment: The RTEL1 c.251G>C variant is predicted to result in the amino acid substitution p.Arg84Pro. To our knowledge, this variant has not been reported in the literature. This variant is reported in 0.036% of alleles in individuals of African descent in gnomAD. At this time, the clinical significance of this variant is uncertain due to the absence of conclusive functional and genetic evidence.

NM_001283009.2(RTEL1):c.251G>C (p.Arg84Pro)

Genes: RTEL1 (regulator of telomere elongation helicase 1; plus strand), RTEL1-TNFRSF6B (RTEL1-TNFRSF6B readthrough (NMD candidate); plus strand). Cytogenetic location: 20q13.33.
Variant type: single nucleotide variant.
Coding change: c.251G>C on transcript NM_001283009.2 (MANE Select); coding-DNA position 251, G replaced by C.
Protein change: p.Arg84Pro; replaces arginine 84 with proline.
Molecular consequence: missense variant. On other transcripts: non-coding transcript variant (1), 5 prime UTR variant (1).
Genome position (GRCh38, 1-based): chr20:63,661,446, G>C. VCF-style: chr20-63661446-G-C. GRCh37 (hg19) VCF-style: chr20-62292799-G-C.
Other names: c.-419G>C (NM_001283010.1); c.251G>C, p.Arg84Pro (NM_016434.4, NM_032957.5); short protein forms R84P.
Identifiers: ClinVar variation 2074871 (VCV002074871.5), dbSNP rs201555555, ClinGen allele CA9964156.